The following is an entry in ClinVar:

ClinVar aggregate classification (germline): Uncertain significance. Review status: criteria provided, multiple submitters, no conflicts (2 of 4 stars). 2 submissions from 2 submitters: Uncertain significance (2). Last evaluated 2024-04-04.

Conditions:
Hereditary cancer-predisposing syndrome. Also called: Neoplastic Syndromes, Hereditary; Tumor predisposition; Hereditary neoplastic syndrome; Hereditary Cancer Syndrome. Identifiers: Orphanet 140162, MedGen C0027672, MeSH D009386, MONDO:0015356.
Familial cancer of breast. Also called: BREAST CANCER, FAMILIAL; Hereditary breast cancer; hereditary breast carcinoma. Identifiers: Orphanet 227535, MedGen C0346153, MONDO:0016419, OMIM 114480. Disease mechanism: loss of function.

Submissions (2):

Labcorp Genetics (formerly Invitae), Labcorp
Classification: Uncertain significance for Familial cancer of breast. Last evaluated: 2024-04-04. Review status: criteria provided, single submitter. Criteria: Invitae Variant Classification Sherloc (09022015). Collection method: clinical testing. Allele origin: germline.
Comment: This variant, c.737_739del, results in the deletion of 1 amino acid(s) of the CHEK2 protein (p.Val246del), but otherwise preserves the integrity of the reading frame. This variant is present in population databases (rs571741738, gnomAD 0.003%). This variant has not been reported in the literature in individuals affected with CHEK2-related conditions. ClinVar contains an entry for this variant (Variation ID: 1362609). Experimental studies and prediction algorithms are not available or were not evaluated, and the functional significance of this variant is currently unknown. In summary, the available evidence is currently insufficient to determine the role of this variant in disease. Therefore, it has been classified as a Variant of Uncertain Significance.

Ambry Genetics
Classification: Uncertain significance for Hereditary cancer-predisposing syndrome. Last evaluated: 2015-04-05. Review status: criteria provided, single submitter. Criteria: Ambry Variant Classification Scheme 2023. Collection method: clinical testing. Allele origin: germline.
Comment: The c.737_739delTAG variant (also known as p.V246del), is located in coding exon 5 of the CHEK2 gene. This variant results from an in-frame deletion of TAG between nucleotide positions 737 and 739. Valine at codon 246 is deleted. This variant was not reported in population based cohorts in the following databases: Database of Single Nucleotide Polymorphisms (dbSNP), NHLBI Exome Sequencing Project (ESP), and 1000 Genomes Project. In the ESP, this variant was not observed in 6502 samples (13004 alleles) with coverage at this position. To date, this alteration has been detected with an allele frequency of approximately 0.002% (greater than 46000 alleles tested) in our clinical cohort. This amino acid position is highly conserved in available vertebrate species. Since supporting evidence is limited at this time, the clinical significance of c.737_739delTAG remains unclear.

NM_007194.4(CHEK2):c.737_739del (p.Val246del)

Gene: CHEK2 (checkpoint kinase 2; minus strand). Cytogenetic location: 22q12.1.
Variant type: Deletion.
Coding change: c.737_739del on transcript NM_007194.4 (MANE Select); coding-DNA positions 737 to 739, 3 bases deleted (TAG; older notation c.737_739delTAG).
Protein change: p.Val246del; deletes valine 246.
Molecular consequence: inframe deletion. On other transcripts: inframe indel (4).
Genome position (GRCh38, 1-based): chr22:28,711,962-28,711,964, CTA deleted on the plus strand (TAG on the coding strand, the reverse complement: CHEK2 is on the minus strand); deleting any 3 consecutive bases within chr22:28,711,962-28,711,966 gives the same sequence; the c. name uses the placement nearest the transcript's 3' end. VCF-style (leftmost placement, unchanged base first): chr22-28711961-GCTA-G. GRCh37 (hg19) VCF-style: chr22-29107949-GCTA-G.
Other names: c.864_866delAGT, p.Val289del (NM_001005735.3); c.72_74delAGT, p.Val25del (NM_001257387.3); c.534_536delAGT, p.Val179del (NM_001349956.3); c.735_737delAGT, p.Val246del (NM_145862.3); short protein forms V289del, V246del, V179del, V25del.
Identifiers: ClinVar variation 1362609 (VCV001362609.11), dbSNP rs571741738, ClinGen allele CA323022186.
Genomic context (GRCh38, chr22:28,711,961, plus strand): 5'-GTACTTACTGCCTCTCTTGCTGAACCAATAGCAAACTTCCTTTTGCTGATGATCTTTATG[GCTA>G]CTTTCTTACATGTTTTCCTCTCGAAAGCCAGCTTTACCTCTCCACAGGCACCACTAGAGG-3'